The following is an entry in ClinVar:

NM_006160.4(NEUROD2):c.239G>T (p.Gly80Val)

Gene: NEUROD2 (neuronal differentiation 2; minus strand). Cytogenetic location: 17q12.
Variant type: single nucleotide variant.
Coding change: c.239G>T on transcript NM_006160.4 (MANE Select); coding-DNA position 239, G replaced by T.
Protein change: p.Gly80Val; replaces glycine 80 with valine.
Molecular consequence: missense variant.
Genome position (GRCh38, 1-based): chr17:39,606,361, C>A on the plus strand (G>T on the coding strand, the complement: NEUROD2 is on the minus strand). VCF-style: chr17-39606361-C-A. GRCh37 (hg19) VCF-style: chr17-37762614-C-A.
Other names: short protein forms G80V.
Identifiers: ClinVar variation 3026315 (VCV003026315.22), dbSNP rs1332395785, ClinGen allele CA399258917.

ClinVar aggregate classification (germline): Uncertain significance (1 of 4 stars; one submission).

Allele frequency attached by ClinVar (database versions not stated): gnomAD exomes below 0.00001.
gnomAD v4.1: 5 of 1,571,512 alleles (0.00032%); highest among the groups gnomAD compares: Non-Finnish European, 0.00043%; no homozygotes.

Submission:

CeGaT Center for Human Genetics Tuebingen
Classification: Uncertain significance. Last evaluated: 2024-01-01. Review status: criteria provided, single submitter. Criteria: CeGaT Center For Human Genetics Tuebingen Variant Classification Criteria Version 2. Collection method: clinical testing. Allele origin: germline. Affected: yes. Observed: 1 variant allele.
Comment: NEUROD2: PM2, PP2, PP3